The following is an entry in ClinVar:

NM_004304.5(ALK):c.446C>G (p.Ala149Gly)

Gene: ALK (ALK receptor tyrosine kinase; minus strand). Cytogenetic location: 2p23.1.
Variant type: single nucleotide variant.
Coding change: c.446C>G on transcript NM_004304.5 (MANE Select); coding-DNA position 446, C replaced by G.
Protein change: p.Ala149Gly; replaces alanine 149 with glycine.
Molecular consequence: missense variant.
Genome position (GRCh38, 1-based): chr2:29,920,214, G>C on the plus strand (C>G on the coding strand, the complement: ALK is on the minus strand). VCF-style: chr2-29920214-G-C. GRCh37 (hg19) VCF-style: chr2-30143080-G-C.
Other names: short protein forms A149G.
Identifiers: ClinVar variation 4674747 (VCV004674747.1).
Genomic context (GRCh38, chr2:29,920,214, plus strand): 5'-TTGAACTGGAGCAGCCCCACAGCCGCCTCCCCGGGGGGCCCGACGCAACCCTCCAAGATC[G>C]CCTCCTCGCCCAGCTCCAGCACCAACTGCTTGGCACGCCGGAGCTTGCGCACGGAGCCGC-3'
Protein context (NP_004295.2, residues 139-159): KQLVLELGEE[Ala149Gly]ILEGCVGPPG

ClinVar aggregate classification (germline): Uncertain significance (1 of 4 stars; one submission).

Conditions:
Hereditary cancer-predisposing syndrome. Also called: Neoplastic Syndromes, Hereditary; Tumor predisposition; Hereditary Cancer Syndrome; Hereditary neoplastic syndrome. Identifiers: Orphanet 140162, MedGen C0027672, MeSH D009386, MONDO:0015356.

Submission:

Ambry Genetics
Classification: Uncertain significance for Hereditary cancer-predisposing syndrome. Last evaluated: 2025-10-11. Review status: criteria provided, single submitter. Criteria: Ambry Variant Classification Scheme 2023. Collection method: clinical testing. Allele origin: germline.
Comment: The p.A149G variant (also known as c.446C>G), located in coding exon 1 of the ALK gene, results from a C to G substitution at nucleotide position 446. The alanine at codon 149 is replaced by glycine, an amino acid with similar properties. This amino acid position is conserved. In addition, this alteration is predicted to be tolerated by in silico analysis. Based on the available evidence, the clinical significance of this variant remains unclear.